The following is an entry in ClinVar:

ClinVar aggregate classification (germline): Uncertain significance (1 of 4 stars; one submission).

Allele frequency attached by ClinVar (database versions not stated): TOPMed below 0.00001; gnomAD exomes 0.00001; ExAC 0.00002.

Submission:

Labcorp Genetics (formerly Invitae), Labcorp
Classification: Uncertain significance. Last evaluated: 2021-06-29. Review status: criteria provided, single submitter. Criteria: Invitae Variant Classification Sherloc (09022015). Collection method: clinical testing. Allele origin: germline.
Comment: This sequence change falls in intron 5 of the DNAJC21 gene. It does not directly change the encoded amino acid sequence of the DNAJC21 protein. It affects a nucleotide within the consensus splice site of the intron. This variant is present in population databases (rs773810600, ExAC 0.01%). This variant has not been reported in the literature in individuals affected with DNAJC21-related conditions. Nucleotide substitutions within the consensus splice site are a relatively common cause of aberrant splicing (PMID: 17576681, 9536098). Algorithms developed to predict the effect of sequence changes on RNA splicing suggest that this variant may disrupt the consensus splice site. In summary, the available evidence is currently insufficient to determine the role of this variant in disease. Therefore, it has been classified as a Variant of Uncertain Significance.

Literature cited by the submitters: PubMed 17576681; PubMed 9536098.

NM_001012339.3(DNAJC21):c.743+4C>T

Gene: DNAJC21 (DnaJ heat shock protein family (Hsp40) member C21; plus strand). Cytogenetic location: 5p13.2.
Variant type: single nucleotide variant.
Coding change: c.743+4C>T on transcript NM_001012339.3 (MANE Select); 4 bases into the intron after coding-DNA position 743, C replaced by T.
Molecular consequence: intron variant.
Genome position (GRCh38, 1-based): chr5:34,937,634, C>T. VCF-style: chr5-34937634-C-T. GRCh37 (hg19) VCF-style: chr5-34937739-C-T.
Other names: c.743+4C>T (NM_001348420.2, NM_194283.4).
Identifiers: ClinVar variation 1415899 (VCV001415899.3), dbSNP rs773810600, ClinGen allele CA3228539.